The following is an entry in ClinVar:

NM_206965.2(FTCD):c.1352C>T (p.Pro451Leu)

Gene: FTCD (formimidoyltransferase cyclodeaminase; minus strand). Cytogenetic location: 21q22.3.
Variant type: single nucleotide variant.
Coding change: c.1352C>T on transcript NM_206965.2 (MANE Select); coding-DNA position 1352, C replaced by T.
Protein change: p.Pro451Leu; replaces proline 451 with leucine.
Molecular consequence: missense variant.
Genome position (GRCh38, 1-based): chr21:46,138,599, G>A on the plus strand (C>T on the coding strand, the complement: FTCD is on the minus strand). VCF-style: chr21-46138599-G-A. GRCh37 (hg19) VCF-style: chr21-47558513-G-A.
Other names: c.1352C>T, p.Pro451Leu (NM_001320412.2, NM_006657.3); short protein forms P451L.
Identifiers: ClinVar variation 340418 (VCV000340418.9), dbSNP rs376845160, ClinGen allele CA10073474.
Genomic context (GRCh38, chr21:46,138,599, plus strand): 5'-CACCGGGCCAGTTCCTGCAGGGCCGGCCACAGCGAGGCCACCGTCTCCGCCAGCGTCAGC[G>A]GCACAGAGACTGCCCGCCTCAGACCCTCCTGTAGGGCCGCCGTGCGCCTGAAAGGAGCAA-3'
Protein context (NP_996848.1, residues 441-461): QEGLRRAVSV[Pro451Leu]LTLAETVASL

ClinVar aggregate classification (germline): Uncertain significance. Review status: criteria provided, multiple submitters, no conflicts (2 of 4 stars). 2 submissions from 2 submitters: Uncertain significance (2). Last evaluated 2025-12-17.

Conditions:
Inborn genetic diseases. Identifiers: MedGen C0950123, MeSH D030342.
Glutamate formiminotransferase deficiency. Also called: Arakawa syndrome 1; Formiminoglutamic aciduria. Identifiers: Orphanet 51208, MedGen C0268609, MONDO:0009240, OMIM 229100.

Allele frequency attached by ClinVar (database versions not stated): gnomAD exomes 0.00005 and 0.00008; ESP Exome Variant Server 0.00008; TOPMed 0.00009; ExAC 0.00010; gnomAD 0.00011; 1000 Genomes Project 0.00020; 1000 Genomes Project 30x 0.00031.
gnomAD v4.1: 91 of 1,591,530 alleles (0.0057%); highest among the groups gnomAD compares: Admixed American, 0.027%; no homozygotes.

Submissions (2):

Labcorp Genetics (formerly Invitae), Labcorp
Classification: Uncertain significance for Glutamate formiminotransferase deficiency. Last evaluated: 2025-12-17. Review status: criteria provided, single submitter. Criteria: Invitae Variant Classification Sherloc (09022015). Collection method: clinical testing. Allele origin: germline.
Comment: This sequence change replaces proline, which is neutral and non-polar, with leucine, which is neutral and non-polar, at codon 451 of the FTCD protein (p.Pro451Leu). This variant is present in population databases (rs376845160, gnomAD 0.02%). This variant has not been reported in the literature in individuals affected with FTCD-related conditions. ClinVar contains an entry for this variant (Variation ID: 340418). Invitae Evidence Modeling of protein sequence and biophysical properties (such as structural, functional, and spatial information, amino acid conservation, physicochemical variation, residue mobility, and thermodynamic stability) indicates that this missense variant is expected to disrupt FTCD protein function with a positive predictive value of 80%. In summary, the available evidence is currently insufficient to determine the role of this variant in disease. Therefore, it has been classified as a Variant of Uncertain Significance.

Ambry Genetics
Classification: Uncertain significance for Inborn genetic diseases. Last evaluated: 2024-05-01. Review status: criteria provided, single submitter. Criteria: Ambry Variant Classification Scheme 2023. Collection method: clinical testing. Allele origin: germline.